The following is an entry in ClinVar:

NM_000321.3(RB1):c.2675C>T (p.Pro892Leu)

Gene: RB1 (RB transcriptional corepressor 1; plus strand). Cytogenetic location: 13q14.2.
Variant type: single nucleotide variant.
Coding change: c.2675C>T on transcript NM_000321.3 (MANE Select); coding-DNA position 2675, C replaced by T.
Protein change: p.Pro892Leu; replaces proline 892 with leucine.
Molecular consequence: missense variant.
Genome position (GRCh38, 1-based): chr13:48,477,366, C>T. VCF-style: chr13-48477366-C-T. GRCh37 (hg19) VCF-style: chr13-49051502-C-T.
Other names: c.2675C>T, p.Pro892Leu (NM_001407165.1); c.125C>T, p.Pro42Leu (NM_001407168.1); short protein forms P892L, P42L.
Identifiers: ClinVar variation 1794601 (VCV001794601.5), dbSNP rs768950233, ClinGen allele CA249288367.

ClinVar aggregate classification (germline): Uncertain significance. Review status: criteria provided, multiple submitters, no conflicts (2 of 4 stars). 2 submissions from 2 submitters: Uncertain significance (2). Last evaluated 2023-05-11.

Conditions:
Hereditary cancer-predisposing syndrome. Also called: Tumor predisposition; Hereditary Cancer Syndrome; Neoplastic Syndromes, Hereditary; Hereditary neoplastic syndrome. Identifiers: Orphanet 140162, MedGen C0027672, MeSH D009386, MONDO:0015356.
Retinoblastoma (RB1). Also called: RETINOBLASTOMA, SOMATIC. Identifiers: Orphanet 790, MedGen C0035335, MeSH D012175, MONDO:0008380, OMIM 180200, HP:0009919. Disease mechanism: loss of function. Inheritance: Both sporadic and heritable forms are tested..

Submissions (2):

Labcorp Genetics (formerly Invitae), Labcorp
Classification: Uncertain significance for Retinoblastoma. Last evaluated: 2023-05-11. Review status: criteria provided, single submitter. Criteria: Invitae Variant Classification Sherloc (09022015). Collection method: clinical testing. Allele origin: germline.
Comment: In summary, the available evidence is currently insufficient to determine the role of this variant in disease. Therefore, it has been classified as a Variant of Uncertain Significance. Advanced modeling of protein sequence and biophysical properties (such as structural, functional, and spatial information, amino acid conservation, physicochemical variation, residue mobility, and thermodynamic stability) has been performed at Invitae for this missense variant, however the output from this modeling did not meet the statistical confidence thresholds required to predict the impact of this variant on RB1 protein function. ClinVar contains an entry for this variant (Variation ID: 1794601). This variant has not been reported in the literature in individuals affected with RB1-related conditions. This variant is not present in population databases (gnomAD no frequency). This sequence change replaces proline, which is neutral and non-polar, with leucine, which is neutral and non-polar, at codon 892 of the RB1 protein (p.Pro892Leu).

Ambry Genetics
Classification: Uncertain significance for Hereditary cancer-predisposing syndrome. Last evaluated: 2020-06-29. Review status: criteria provided, single submitter. Criteria: Ambry Variant Classification Scheme 2023. Collection method: clinical testing. Allele origin: germline.
Comment: The p.P892L variant (also known as c.2675C>T), located in coding exon 26 of the RB1 gene, results from a C to T substitution at nucleotide position 2675. The proline at codon 892 is replaced by leucine, an amino acid with similar properties. This amino acid position is not well conserved in available vertebrate species. In addition, this alteration is predicted to be tolerated by in silico analysis. Since supporting evidence is limited at this time, the clinical significance of this alteration remains unclear.